The following is an entry in ClinVar:

NM_019842.4(KCNQ5):c.100A>G (p.Ser34Gly)

Genes: KCNQ5 (potassium voltage-gated channel subfamily Q member 5; plus strand), KCNQ5-DT (KCNQ5 divergent transcript; minus strand), LOC129996711 (ATAC-STARR-seq lymphoblastoid silent region 17329; plus strand). Cytogenetic location: 6q13.
Variant type: single nucleotide variant.
Coding change: c.100A>G on transcript NM_019842.4 (MANE Select); coding-DNA position 100, A replaced by G.
Protein change: p.Ser34Gly; replaces serine 34 with glycine.
Molecular consequence: missense variant.
Genome position (GRCh38, 1-based): chr6:72,622,289, A>G. VCF-style: chr6-72622289-A-G. GRCh37 (hg19) VCF-style: chr6-73332017-A-G.
Other names: c.100A>G, p.Ser34Gly (NM_001160130.2, NM_001160132.2, NM_001160133.2 and 1 more transcripts); short protein forms S34G.
Identifiers: ClinVar variation 3682260 (VCV003682260.2).
Genomic context (GRCh38, chr6:72,622,289, plus strand): 5'-GCCGGGCTCTGGGTGAAGAGCGGCGCAGCGGCGGCGGCGGCGGGCGGGGGGCGCTTGGGC[A>G]GCGGCATGAAGGATGTGGAGTCCGGCCGGGGCAGGGTGCTGCTGAACTCGGCAGCCGCCA-3'
Protein context (NP_062816.2, residues 24-44): AAAAGGGRLG[Ser34Gly]GMKDVESGRG

ClinVar aggregate classification (germline): Uncertain significance (1 of 4 stars; one submission).

gnomAD v4.1: 1 of 1,294,918 alleles (0.000077%); highest among the groups gnomAD compares: East Asian, 0.003%; no homozygotes.

Submission:

Labcorp Genetics (formerly Invitae), Labcorp
Classification: Uncertain significance. Last evaluated: 2025-02-02. Review status: criteria provided, single submitter. Criteria: Invitae Variant Classification Sherloc (09022015). Collection method: clinical testing. Allele origin: germline.
Comment: This sequence change replaces serine, which is neutral and polar, with glycine, which is neutral and non-polar, at codon 34 of the KCNQ5 protein (p.Ser34Gly). This variant is not present in population databases (gnomAD no frequency). This variant has not been reported in the literature in individuals affected with KCNQ5-related conditions. Invitae Evidence Modeling of protein sequence and biophysical properties (such as structural, functional, and spatial information, amino acid conservation, physicochemical variation, residue mobility, and thermodynamic stability) indicates that this missense variant is not expected to disrupt KCNQ5 protein function with a negative predictive value of 95%. In summary, the available evidence is currently insufficient to determine the role of this variant in disease. Therefore, it has been classified as a Variant of Uncertain Significance.